The following is an entry in ClinVar:

NM_000057.4(BLM):c.813GAA[4] (p.Lys273dup)

Gene: BLM (BLM RecQ like helicase; plus strand). Cytogenetic location: 15q26.1.
Variant type: Microsatellite.
Coding change: c.813GAA[4] on transcript NM_000057.4 (MANE Select); four copies in a row of the 3-base unit GAA starting at c.813; the reference has three copies in a row; one copy, 3 bases duplicated.
Protein change: p.Lys273dup; duplicates lysine 273.
Molecular consequence: inframe insertion. On other transcripts: 5 prime UTR variant (1).
Genome position (GRCh38, 1-based): chr15:90,751,806-90,751,808, GAA duplicated; duplicating any 3 consecutive bases within chr15:90,751,798-90,751,808 gives the same sequence; the position shown is the placement nearest the transcript's 3' end. VCF-style (leftmost placement, unchanged base first): chr15-90751797-A-AAAG. GRCh37 (hg19) VCF-style: chr15-91295027-A-AAAG.
Other names: c.813GAA[4], p.Lys273dup (NM_001287246.2, NM_001287247.2); c.-479GAA[4] (NM_001287248.2).
Identifiers: ClinVar variation 1364580 (VCV001364580.6), dbSNP rs587779895, ClinGen allele CA2580613319.

ClinVar aggregate classification (germline): Uncertain significance (1 of 4 stars; one submission).

Conditions:
Bloom syndrome (BLM). Also called: Bloom-Torre-Machacek syndrome. Identifiers: Orphanet 125, MedGen C0005859, MONDO:0008876, OMIM 210900.

Submission:

Labcorp Genetics (formerly Invitae), Labcorp
Classification: Uncertain significance for Bloom syndrome. Last evaluated: 2021-10-02. Review status: criteria provided, single submitter. Criteria: Invitae Variant Classification Sherloc (09022015). Collection method: clinical testing. Allele origin: germline.
Comment: In summary, the available evidence is currently insufficient to determine the role of this variant in disease. Therefore, it has been classified as a Variant of Uncertain Significance. Experimental studies and prediction algorithms are not available or were not evaluated, and the functional significance of this variant is currently unknown. This variant has not been reported in the literature in individuals affected with BLM-related conditions. This variant is not present in population databases (ExAC no frequency). This variant, c.819_821dup, results in the insertion of 1 amino acid(s) to the BLM protein (p.Lys273dup), but otherwise preserves the integrity of the reading frame.